The following is an entry in ClinVar:

ClinVar aggregate classification (germline): Pathogenic. Review status: criteria provided, multiple submitters, no conflicts (2 of 4 stars). 2 submissions from 2 submitters: Pathogenic (2). Last evaluated 2025-03-18.

Conditions:
Tyrosinase-positive oculocutaneous albinism (OCA2). Also called: Oculocutaneous albinism type 2; ALBINISM II; Albinism, oculocutaneous, type II. Identifiers: Orphanet 79432, MedGen C0268495, MONDO:0008746, OMIM 203200.

Submissions (2):

Labcorp Genetics (formerly Invitae), Labcorp
Classification: Pathogenic. Last evaluated: 2025-03-18. Review status: criteria provided, single submitter. Criteria: Invitae Variant Classification Sherloc (09022015). Collection method: clinical testing. Allele origin: germline.
Comment: This sequence change creates a premature translational stop signal (p.Trp660*) in the OCA2 gene. It is expected to result in an absent or disrupted protein product. Loss-of-function variants in OCA2 are known to be pathogenic (PMID: 19865097, 21541274). This variant is not present in population databases (gnomAD no frequency). This premature translational stop signal has been observed in individual(s) with oculocutaneous albinism (PMID: 29345414). ClinVar contains an entry for this variant (Variation ID: 1388161). For these reasons, this variant has been classified as Pathogenic.

Myriad Genetics, Inc.
Classification: Pathogenic for Tyrosinase-positive oculocutaneous albinism. Last evaluated: 2024-10-11. Review status: criteria provided, single submitter. Criteria: Myriad Autosomal Dominant, Autosomal Recessive and X-Linked Classification Criteria (2023). Collection method: clinical testing. Allele origin: unknown.
Comment: NM_000275.2(OCA2):c.1979G>A(W660*) is expected to be pathogenic in the context of oculocutaneous albinism, OCA2-related. This variant is predicted to lead to an abnormal or absent protein product due to the creation of a premature termination codon in OCA2, a gene where loss-of-function variants are known to be pathogenic. Please note: this variant was assessed in the context of healthy population screening.

Literature cited by the submitters: PubMed 19865097 (cited by Labcorp Genetics (formerly Invitae), Labcorp); PubMed 21541274 (cited by Labcorp Genetics (formerly Invitae), Labcorp); PubMed 29345414 (cited by Labcorp Genetics (formerly Invitae), Labcorp).

NM_000275.3(OCA2):c.1979G>A (p.Trp660Ter)

Gene: OCA2 (OCA2 melanosomal transmembrane protein; minus strand). Cytogenetic location: 15q13.1.
Variant type: single nucleotide variant.
Coding change: c.1979G>A on transcript NM_000275.3 (MANE Select); coding-DNA position 1979, G replaced by A.
Protein change: p.Trp660Ter; replaces tryptophan 660 with a stop codon.
Molecular consequence: nonsense.
Genome position (GRCh38, 1-based): chr15:27,926,227, C>T on the plus strand (G>A on the coding strand, the complement: OCA2 is on the minus strand). VCF-style: chr15-27926227-C-T. GRCh37 (hg19) VCF-style: chr15-28171373-C-T.
Other names: c.1907G>A, p.Trp636Ter (NM_001300984.2); short protein forms W636*, W660*.
Identifiers: ClinVar variation 1388161 (VCV001388161.9), dbSNP rs1429912526, ClinGen allele CA391361340.